The following is an entry in ClinVar:

ClinVar aggregate classification (germline): Conflicting classifications of pathogenicity. Review status: criteria provided, conflicting classifications (1 of 4 stars). 6 submissions from 6 submitters: Uncertain significance (4); Likely benign (2). Last evaluated 2026-05-20.

Conditions:
Hereditary cancer-predisposing syndrome. Also called: Neoplastic Syndromes, Hereditary; Hereditary Cancer Syndrome; Hereditary neoplastic syndrome; Tumor predisposition. Identifiers: Orphanet 140162, MedGen C0027672, MeSH D009386, MONDO:0015356.
Peutz-Jeghers syndrome (PJS). Also called: Peutz-Jeghers polyposis; Periorificial lentiginosis syndrome; POLYPOSIS, HAMARTOMATOUS INTESTINAL; POLYPS-AND-SPOTS SYNDROME. Identifiers: Orphanet 2869, MedGen C0031269, MeSH D010580, MONDO:0008280, OMIM 175200.

Allele frequency attached by ClinVar (database versions not stated): gnomAD exomes 0.00001; TOPMed below 0.00001; gnomAD 0.00001.
gnomAD v4.1: 4 of 1,611,272 alleles (0.00025%); highest among the groups gnomAD compares: African/African-American, 0.0013%; no homozygotes.

Submissions (6):

Ambry Genetics
Classification: Likely benign for Hereditary cancer-predisposing syndrome. Last evaluated: 2026-05-20. Review status: criteria provided, single submitter. Criteria: Ambry Variant Classification Scheme 2023. Collection method: clinical testing. Allele origin: germline.

Labcorp Genetics (formerly Invitae), Labcorp
Classification: Likely benign for Peutz-Jeghers syndrome. Last evaluated: 2025-08-31. Review status: criteria provided, single submitter. Criteria: Invitae Variant Classification Sherloc (09022015). Collection method: clinical testing. Allele origin: germline.

Color Diagnostics, LLC DBA Color Health
Classification: Uncertain significance for Hereditary cancer-predisposing syndrome. Last evaluated: 2024-03-06. Review status: criteria provided, single submitter. Criteria: ACMG Guidelines, 2015. Collection method: clinical testing. Allele origin: germline.
Comment: This missense variant replaces asparagine with serine at codon 380 of the STK11 protein. Computational prediction suggests that this variant may not impact protein structure and function (internally defined REVEL score threshold <= 0.5, PMID: 27666373). To our knowledge, functional studies have not been reported for this variant. This variant has not been reported in individuals affected with STK11-related disorders in the literature. This variant has been identified in 1/31366 chromosomes in the general population by the Genome Aggregation Database (gnomAD). The available evidence is insufficient to determine the role of this variant in disease conclusively. Therefore, this variant is classified as a Variant of Uncertain Significance.

All of Us Research Program, National Institutes of Health
Classification: Uncertain significance for Peutz-Jeghers syndrome. Last evaluated: 2023-10-23. Review status: criteria provided, single submitter. Criteria: ACMG Guidelines, 2015. Collection method: clinical testing. Allele origin: germline. Inheritance: Autosomal dominant inheritance. Observed: 2 variant alleles, 2 heterozygotes.
Comment: This missense variant replaces asparagine with serine at codon 380 of the STK11 protein. Computational prediction suggests that this variant may not impact protein structure and function (internally defined REVEL score threshold <= 0.5, PMID: 27666373). Splice site prediction tools suggest that this variant may not impact RNA splicing. To our knowledge, functional studies have not been performed for this variant. This variant has not been reported in individuals affected with hereditary cancer in the literature. This variant has been identified in 1/31366 chromosomes in the general population by the Genome Aggregation Database (gnomAD). The available evidence is insufficient to determine the role of this variant in disease conclusively. Therefore, this variant is classified as a Variant of Uncertain Significance.

This study involves interpretation of variants in research participants for the purpose of population health screening. Participant phenotype was not available at the time of variant classification. Additional details can be found in publication PMID: 35346344, PMCID: PMC8962531

Blueprint Genetics
Classification: Uncertain significance. Last evaluated: 2023-08-04. Review status: criteria provided, single submitter. Criteria: ACMG Guidelines, 2015. Collection method: clinical testing. Allele origin: germline.

Genome-Nilou Lab
Classification: Uncertain significance for Peutz-Jeghers syndrome. Last evaluated: 2021-07-15. Review status: criteria provided, single submitter. Criteria: ACMG Guidelines, 2015. Collection method: clinical testing. Allele origin: germline. Affected: no.

NM_000455.5(STK11):c.1139A>G (p.Asn380Ser)

Gene: STK11 (serine/threonine kinase 11; plus strand). Cytogenetic location: 19p13.3.
Variant type: single nucleotide variant.
Coding change: c.1139A>G on transcript NM_000455.5 (MANE Select); coding-DNA position 1139, A replaced by G.
Protein change: p.Asn380Ser; replaces asparagine 380 with serine.
Molecular consequence: missense variant.
Genome position (GRCh38, 1-based): chr19:1,226,484, A>G. VCF-style: chr19-1226484-A-G. GRCh37 (hg19) VCF-style: chr19-1226483-A-G.
Other names: short protein forms N380S.
Identifiers: ClinVar variation 458015 (VCV000458015.25), dbSNP rs1247102370, ClinGen allele CA402953284.
Genomic context (GRCh38, chr19:1,226,484, plus strand): 5'-CTCAGGCCACACTTGCCGTCTCCCTCCCAGGACAGGTCCCAGAAGAGGAGGCCAGTCACA[A>G]TGGACAGCGCCGGGGCCTCCCCAAGGCCGTGTGTATGAACGGCACAGAGGCGGCGCAGCT-3'
Protein context (NP_000446.1, residues 370-390): GQVPEEEASH[Asn380Ser]GQRRGLPKAV